The following is an entry in ClinVar:

NM_001127255.2(NLRP7):c.2077C>T (p.Arg693Trp)

Genes: NCR1 (natural cytotoxicity triggering receptor 1), NLRP7 (NLR family pyrin domain containing 7; minus strand). Cytogenetic location: 19q13.42.
Variant type: single nucleotide variant.
Coding change: c.2077C>T on transcript NM_001127255.2 (MANE Select); coding-DNA position 2077, C replaced by T.
Protein change: p.Arg693Trp; replaces arginine 693 with tryptophan.
Molecular consequence: missense variant.
Genome position (GRCh38, 1-based): chr19:54,938,096, G>A on the plus strand (C>T on the coding strand, the complement: NLRP7 is on the minus strand). VCF-style: chr19-54938096-G-A. GRCh37 (hg19) VCF-style: chr19-55449464-G-A.
Other names: c.2077C>T, p.Arg693Trp (NM_001405531.1, NM_206828.4); c.1993C>T, p.Arg665Trp (NM_139176.4); short protein forms R693W, R665W.
Identifiers: ClinVar variation 1586 (VCV000001586.8), dbSNP rs104895506, ClinGen allele CA115075.

ClinVar aggregate classification (germline): Pathogenic/Likely pathogenic. Review status: criteria provided, multiple submitters, no conflicts (2 of 4 stars). 4 submissions from 4 submitters: Pathogenic (1); Likely pathogenic (1). 2 of the submissions do not count toward it. Last evaluated 2026-04-29.

Conditions:
NLRP7-related disorder. Also called: NLRP7-related condition.
Hydatidiform mole, recurrent, 1 (HYDM1). Identifiers: Orphanet 254688, Orphanet 99927, MedGen C3463897, MONDO:0009273, OMIM 231090. Disease mechanism: loss of function.

Allele frequency attached by ClinVar (database versions not stated): TOPMed 0.00006; gnomAD 0.00023 and 0.00026.
gnomAD v4.1: 325 of 1,613,926 alleles (0.02%); highest among the groups gnomAD compares: Middle Eastern, 0.016%; 1 homozygote.

Submissions (4):

PreventionGenetics, part of Exact Sciences
Classification: Likely pathogenic for NLRP7-related condition. Last evaluated: 2026-04-29. Review status: criteria provided, single submitter. Criteria: ACMG Guidelines, 2015. Collection method: clinical testing. Allele origin: germline.
Comment: The NLRP7 c.2077C>T variant is predicted to result in the amino acid substitution p.Arg693Trp. This variant has been reported in the homozygous and compound heterozygous states in individuals with recurrent hydatidiform moles (Murdoch et al. 2006. PubMed ID: 16462743; Wang et al. 2009. PubMed ID: 19246479; Messaed et al. 2011. PubMed ID: 21659348; Nguyen et al. 2018. PubMed ID: 29463882). In addition, other variants impacting the same amino acid have been reported in the homozygous and compound heterozygous states in individuals with recurrent hydatidiform moles (p.Arg693Pro and p.Arg693Gln; Murdoch et al. 2006. PubMed ID: 16462743; Wang et al. 2009. PubMed ID: 19246479; Messaed et al. 2011. PubMed ID: 21659348). Functional studies have shown that this variant and other variants impacting the p.Arg693 amino acid impact protein function (Singer et al. 2014. PubMed ID: 25082979). This variant is reported in 0.25% of alleles in individuals of European (Finnish) descent in gnomAD. This variant is interpreted as likely pathogenic.

Illumina Laboratory Services, Illumina
Classification: Pathogenic for Hydatidiform mole, recurrent, 1. Last evaluated: 2017-04-28. Review status: criteria provided, single submitter. Criteria: ICSL Variant Classification Criteria 09 May 2019. Collection method: clinical testing. Allele origin: germline.
Comment: The NLRP7 c.2077C>T (p.Arg693Trp) variant is one of the most common variants found in recurrent hydatidiform mole (RHM). The variant has been reported in at least six studies in which it is found in nine affected individuals, including three in a homozygous state, three in a compound heterozygous state, and three of unknown zygosity (Murdoch et al. 2006; Puechberty et al. 2009; Wang et al. 2009; Messaed et al. 2011; Dixon et al. 2012; Sebire et al. 2013). The p.Arg693Trp variant was absent from 1524 control chromosomes and is reported at a frequency of 0.00302 in the European (Finnish) population of the Exome Aggregation Consortium. Co-immunoprecipitation studies with the p.Arg693Trp variant protein showed reduced dimer formation compared to wild type (Singer et al. 2014). The p.Arg693Trp variant protein was also found to be more potent at activating inflammasome complexes compared to wild type protein (Khare et al. 2012). Based on the collective evidence, the p.Arg693Trp variant is classified as pathogenic for recurrent hydatidiform mole. This variant was observed by ICSL as part of a predisposition screen in an ostensibly healthy population.

OMIM
Classification: Pathogenic for HYDATIDIFORM MOLE, RECURRENT, 1. Last evaluated: 2009-08-01. Review status: no assertion criteria provided. Collection method: literature only. Allele origin: germline. Not counted in ClinVar's aggregate classification.

Unité médicale des maladies autoinflammatoires, CHRU Montpellier
No classification provided. Condition: Hydatidiform mole. Review status: no classification provided. Collection method: not provided. Allele origin: unknown. Not counted in ClinVar's aggregate classification.

Literature cited by the submitters: PubMed 21659348 (cited by Illumina Laboratory Services, Illumina); PubMed 16462743 (cited by Illumina Laboratory Services, Illumina and OMIM); PubMed 25082979 (cited by Illumina Laboratory Services, Illumina); PubMed 19246479 (cited by Illumina Laboratory Services, Illumina and OMIM); PubMed 22361007 (cited by Illumina Laboratory Services, Illumina); PubMed 23201303 (cited by Illumina Laboratory Services, Illumina); PubMed 22315435 (cited by Illumina Laboratory Services, Illumina); PubMed 19054016 (cited by Illumina Laboratory Services, Illumina); PubMed 11598368 (cited by OMIM).